The following is an entry in ClinVar:

NM_025243.4(SLC19A3):c.1315-4C>A

Gene: SLC19A3 (solute carrier family 19 member 3; minus strand). Cytogenetic location: 2q36.3.
Variant type: single nucleotide variant.
Coding change: c.1315-4C>A on transcript NM_025243.4 (MANE Select); 4 bases into the intron before coding-DNA position 1315, C replaced by A.
Molecular consequence: intron variant.
Genome position (GRCh38, 1-based): chr2:227,687,577, G>T on the plus strand (C>A on the coding strand, the complement: SLC19A3 is on the minus strand). VCF-style: chr2-227687577-G-T. GRCh37 (hg19) VCF-style: chr2-228552293-G-T.
Other names: c.1303-4C>A (NM_001371413.1, NM_001371414.1); c.1315-4C>A (NM_001371411.1, NM_001371412.1).
Identifiers: ClinVar variation 762732 (VCV000762732.11), dbSNP rs758218592, ClinGen allele CA2149099.

ClinVar aggregate classification (germline): Conflicting classifications of pathogenicity. Review status: criteria provided, conflicting classifications (1 of 4 stars). 3 submissions from 3 submitters: Uncertain significance (1); Likely benign (1). 1 of the submissions does not count toward it. Last evaluated 2024-07-04.

Conditions:
SLC19A3-related disorder. Also called: SLC19A3-related condition.
Biotin-responsive basal ganglia disease (BTBGD). Also called: Thiamine metabolism dysfunction syndrome 2 (biotin- or thiamine-responsive encephalopathy type 2); thiamine-responsive encephalopathy; THIAMINE METABOLISM DYSFUNCTION SYNDROME 2 (BIOTIN- AND THIAMINE-RESPONSIVE TYPE); Thiamine metabolism dysfunction syndrome type 2; Thiamine Transporter-2 Deficiency. Identifiers: Orphanet 199348, Orphanet 65284, MedGen C1843807, MONDO:0011841, OMIM 607483.

Allele frequency attached by ClinVar (database versions not stated): gnomAD exomes 0.00001; TOPMed below 0.00001; ExAC 0.00001; gnomAD 0.00001.
gnomAD v4.1: 12 of 1,613,218 alleles (0.00074%); highest among the groups gnomAD compares: Non-Finnish European, 0.00093%; no homozygotes.

Submissions (3):

Blueprint Genetics
Classification: Uncertain significance. Last evaluated: 2024-07-04. Review status: criteria provided, single submitter. Criteria: ACMG Guidelines, 2015. Collection method: clinical testing. Allele origin: germline.

Labcorp Genetics (formerly Invitae), Labcorp
Classification: Likely benign for Biotin-responsive basal ganglia disease. Last evaluated: 2024-03-25. Review status: criteria provided, single submitter. Criteria: Invitae Variant Classification Sherloc (09022015). Collection method: clinical testing. Allele origin: germline.

PreventionGenetics, part of Exact Sciences
Classification: Likely benign for SLC19A3-related condition. Last evaluated: 2019-09-17. Review status: no assertion criteria provided. Collection method: clinical testing. Allele origin: germline. Not counted in ClinVar's aggregate classification.
Comment: This variant is classified as likely benign based on ACMG/AMP sequence variant interpretation guidelines (Richards et al. 2015 PMID: 25741868, with internal and published modifications).